The following is an entry in ClinVar:

ClinVar aggregate classification (germline): Uncertain significance (1 of 4 stars; one submission).

Conditions:
Aicardi-Goutieres syndrome 4. Identifiers: Orphanet 51, MedGen C1835912, MONDO:0012472, OMIM 610333.

Submission:

Labcorp Genetics (formerly Invitae), Labcorp
Classification: Uncertain significance for Aicardi-Goutieres syndrome 4. Last evaluated: 2019-06-28. Review status: criteria provided, single submitter. Criteria: Invitae Variant Classification Sherloc (09022015). Collection method: clinical testing. Allele origin: germline.
Comment: In summary, the available evidence is currently insufficient to determine the role of this variant in disease. Therefore, it has been classified as a Variant of Uncertain Significance. Algorithms developed to predict the effect of missense changes on protein structure and function are either unavailable or do not agree on the potential impact of this missense change (SIFT: "Deleterious"; PolyPhen-2: "Probably Damaging"; Align-GVGD: "Class C0"). This variant has not been reported in the literature in individuals with RNASEH2A-related conditions. This variant is not present in population databases (ExAC no frequency). This sequence change replaces arginine with leucine at codon 291 of the RNASEH2A protein (p.Arg291Leu). The arginine residue is highly conserved and there is a moderate physicochemical difference between arginine and leucine.

NM_006397.3(RNASEH2A):c.872G>T (p.Arg291Leu)

Gene: RNASEH2A (ribonuclease H2 subunit A; plus strand). Cytogenetic location: 19p13.13.
Variant type: single nucleotide variant.
Coding change: c.872G>T on transcript NM_006397.3 (MANE Select); coding-DNA position 872, G replaced by T.
Protein change: p.Arg291Leu; replaces arginine 291 with leucine.
Molecular consequence: missense variant.
Genome position (GRCh38, 1-based): chr19:12,813,438, G>T. VCF-style: chr19-12813438-G-T. GRCh37 (hg19) VCF-style: chr19-12924252-G-T.
Other names: short protein forms R291L.
Identifiers: ClinVar variation 940810 (VCV000940810.9), dbSNP rs75037667, ClinGen allele CA404270021.